The following is an entry in ClinVar:

ClinVar aggregate classification (germline): Pathogenic. Review status: criteria provided, multiple submitters, no conflicts (2 of 4 stars). 2 submissions from 2 submitters: Pathogenic (2). Last evaluated 2023-02-05.

Conditions:
Primary ciliary dyskinesia. Also called: Ciliary dyskinesia. Identifiers: Orphanet 244, MedGen C0008780, MONDO:0016575, HP:0012265.
X-linked cone-rod dystrophy 1 (CORDX1). Identifiers: Orphanet 1872, MedGen C1844776, MONDO:0010566, OMIM 304020.

Submissions (2):

Labcorp Genetics (formerly Invitae), Labcorp
Classification: Pathogenic for Primary ciliary dyskinesia. Last evaluated: 2023-02-05. Review status: criteria provided, single submitter. Criteria: Invitae Variant Classification Sherloc (09022015). Collection method: clinical testing. Allele origin: germline.
Comment: For these reasons, this variant has been classified as Pathogenic. This variant disrupts a region of the RPGR (ORF15) protein in which other variant(s) (p.Leu1130Lysfs*13) have been determined to be pathogenic (PMID: 22264887; Invitae). This suggests that this is a clinically significant region of the protein, and that variants that disrupt it are likely to be disease-causing. ClinVar contains an entry for this variant (Variation ID: 1708067). This premature translational stop signal has been observed in individual(s) with retinitis pigmentosa (PMID: 35432464). This variant is not present in population databases (gnomAD no frequency). This sequence change creates a premature translational stop signal (p.Gln717*) in the RPGR (ORF15) gene. While this is not anticipated to result in nonsense mediated decay, it is expected to disrupt the last 436 amino acid(s) of the RPGR (ORF15) protein.

Laboratory of Medical Genetics, National & Kapodistrian University of Athens
Classification: Pathogenic for X-linked cone-rod dystrophy 1. Last evaluated: 2022-09-08. Review status: criteria provided, single submitter. Criteria: ACMG Guidelines, 2015. Collection method: clinical testing. Allele origin: germline. Affected: yes.
Comment: PVS1, PM2

Literature cited by the submitters: PubMed 22264887 (cited by Labcorp Genetics (formerly Invitae), Labcorp); PubMed 35432464 (cited by Labcorp Genetics (formerly Invitae), Labcorp).

NM_001034853.2(RPGR):c.2149C>T (p.Gln717Ter)

Gene: RPGR (retinitis pigmentosa GTPase regulator; minus strand). Cytogenetic location: Xp11.4.
Variant type: single nucleotide variant.
Coding change: c.2149C>T on transcript NM_001034853.2 (MANE Select); coding-DNA position 2149, C replaced by T.
Protein change: p.Gln717Ter; replaces glutamine 717 with a stop codon.
Molecular consequence: nonsense. On other transcripts: intron variant (8).
Genome position (GRCh38, 1-based): chrX:38,286,850, G>A on the plus strand (C>T on the coding strand, the complement: RPGR is on the minus strand). VCF-style: chrX-38286850-G-A. GRCh37 (hg19) VCF-style: chrX-38146103-G-A.
Other names: c.1569+4109C>T (NM_001367249.1, NM_001367250.1); c.1902+244C>T (NM_001367245.1); c.1386+4109C>T (NM_001367251.1); c.1719+244C>T (NM_001367246.1); c.1572+4109C>T (NM_001367247.1); c.1905+244C>T (NM_000328.3); c.1602+4109C>T (NM_001367248.1); short protein forms Q717*.
Identifiers: ClinVar variation 1708067 (VCV001708067.4), dbSNP rs2519793311, ClinGen allele CA412731331.